The following is an entry in ClinVar:

ClinVar aggregate classification (germline): Likely benign (0 of 4 stars; one submission).

Conditions:
RTTN-related disorder. Also called: RTTN-related condition.

Allele frequency attached by ClinVar (database versions not stated): TOPMed 0.00003; gnomAD 0.00011; gnomAD exomes 0.00012; ExAC 0.00025; 1000 Genomes Project 30x 0.00062; 1000 Genomes Project 0.00080.
gnomAD v4.1: 197 of 1,607,330 alleles (0.012%); highest among the groups gnomAD compares: South Asian, 0.2%; 2 homozygotes.

Submission:

PreventionGenetics, part of Exact Sciences
Classification: Likely benign for RTTN-related condition. Last evaluated: 2019-05-13. Review status: no assertion criteria provided. Collection method: clinical testing. Allele origin: germline.
Comment: This variant is classified as likely benign based on ACMG/AMP sequence variant interpretation guidelines (Richards et al. 2015 PMID: 25741868, with internal and published modifications).

NM_173630.4(RTTN):c.*5C>T

Gene: RTTN (rotatin; minus strand). Cytogenetic location: 18q22.2.
Variant type: single nucleotide variant.
Coding change: c.*5C>T on transcript NM_173630.4 (MANE Select); 5 bases downstream of the stop codon, C replaced by T.
Molecular consequence: 3 prime UTR variant.
Genome position (GRCh38, 1-based): chr18:70,004,146, G>A on the plus strand (C>T on the coding strand, the complement: RTTN is on the minus strand). VCF-style: chr18-70004146-G-A. GRCh37 (hg19) VCF-style: chr18-67671382-G-A.
Other names: c.*5C>T (NM_001318520.2).
Identifiers: ClinVar variation 3041501 (VCV003041501.2), dbSNP rs369913051, ClinGen allele CA8994590.
Genomic context (GRCh38, chr18:70,004,146, plus strand): 5'-GCTGGCTTCAACTTTAGCTCCCCTGTTGATGACTGTCAGCTTCAAGGTGTAGCATCCCAT[G>A]GCACTCAGGAAGAATTAAGGAGCTGCACGAGGTTTTCAAGACATTTCAAATAATAGGCAT-3'